The following is an entry in ClinVar:

ClinVar aggregate classification (germline): Benign/Likely benign. Review status: criteria provided, multiple submitters, no conflicts (2 of 4 stars). 18 submissions from 16 submitters: Benign (11); Likely benign (1). 6 of the submissions do not count toward it. Last evaluated 2026-02-04.

Conditions:
Susceptibility to severe coronavirus disease (COVID-19). Also called: Susceptibility to severe coronavirus disease COVID-19.
Autoinflammatory syndrome. Identifiers: Orphanet 93665, MedGen C3890737, MONDO:0019751.
Susceptibility to severe coronavirus disease (COVID-19) due to high plasma levels of TNF, TNFR, and/or TNFR6.
Multiple sclerosis, susceptibility to, 5 (MS5). Identifiers: MedGen C3553728, MONDO:0013893, OMIM 614810.
TNF receptor-associated periodic fever syndrome (TRAPS) (FPF). Also called: FAMILIAL HIBERNIAN FEVER; Autosomal Dominant Familial Periodic Fever; TNF receptor 1-associated periodic fever syndrome; TNF Receptor-Associated Periodic Fever Syndrome; TNF RECEPTOR-ASSOCIATED PERIODIC SYNDROME; TUMOR NECROSIS FACTOR RECEPTOR-ASSOCIATED PERIODIC SYNDROME. Identifiers: Orphanet 32960, MedGen C1275126, MONDO:0007727, OMIM 142680.
Associated with severe COVID-19 disease.

Allele frequency attached by ClinVar (database versions not stated): 1000 Genomes Project 0.29972; 1000 Genomes Project 30x 0.30497; gnomAD exomes 0.36092 and 0.38867; ExAC 0.36212; TOPMed 0.36778; gnomAD 0.37528 and 0.38055; ESP Exome Variant Server 0.38759.
gnomAD v4.1: 623,332 of 1,611,606 alleles (39%); highest among the groups gnomAD compares: Non-Finnish European, 41%; 123,308 homozygotes.

Submissions (20):

Labcorp Genetics (formerly Invitae), Labcorp
Classification: Benign for TNF receptor-associated periodic fever syndrome (TRAPS). Last evaluated: 2026-02-04. Review status: criteria provided, single submitter. Criteria: Invitae Variant Classification Sherloc (09022015). Collection method: clinical testing. Allele origin: germline.

Women's Health and Genetics/Laboratory Corporation of America, LabCorp
Classification: Benign. Last evaluated: 2026-01-21. Review status: criteria provided, single submitter. Criteria: LabCorp Variant Classification Summary - May 2015. Collection method: clinical testing. Allele origin: germline.

ARUP Laboratories, Molecular Genetics and Genomics, ARUP Laboratories
Classification: Benign. Last evaluated: 2025-07-30. Review status: criteria provided, single submitter. Criteria: ARUP Molecular Germline Variant Investigation Process 2024. Collection method: clinical testing. Allele origin: germline.

Blueprint Genetics
Classification: Likely benign. Last evaluated: 2024-11-27. Review status: criteria provided, single submitter. Criteria: ACMG Guidelines, 2015. Collection method: clinical testing. Allele origin: germline.

Unidad de Genómica Garrahan, Hospital de Pediatría Garrahan
Classification: Benign. Last evaluated: 2023-11-12. Review status: criteria provided, single submitter. Criteria: ACMG Guidelines, 2015. Collection method: clinical testing. Allele origin: germline. Affected: no. Observed: 53 variant alleles.
Comment: This variant is classified as Benign based on local population frequency. This variant was detected in 55% of patients studied by a panel of primary immunodeficiencies. Number of patients: 53. Only high quality variants are reported.

Genome Diagnostics Laboratory, The Hospital for Sick Children
Classification: Benign for Autoinflammatory syndrome. Last evaluated: 2022-01-14. Review status: criteria provided, single submitter. Criteria: ACMG Guidelines, 2015. Collection method: clinical testing. Allele origin: germline. Affected: yes.

Mayo Clinic Laboratories, Mayo Clinic
Classification: Benign. Last evaluated: 2018-03-22. Review status: criteria provided, single submitter. Criteria: ACMG Guidelines, 2015. Collection method: clinical testing. Allele origin: germline. Observed: 600 variant alleles.

Illumina Laboratory Services, Illumina
Classification: Benign for TNF receptor-associated periodic fever syndrome (TRAPS). Last evaluated: 2018-01-12. Review status: criteria provided, single submitter. Criteria: ICSL Variant Classification Criteria 13 December 2019. Collection method: clinical testing. Allele origin: germline.
Comment: This variant was observed in the ICSL laboratory as part of a predisposition screen in an ostensibly healthy population. It had not been previously curated by ICSL or reported in the Human Gene Mutation Database (HGMD: prior to June 1st, 2018), and was therefore a candidate for classification through an automated scoring system. Utilizing variant allele frequency, disease prevalence and penetrance estimates, and inheritance mode, an automated score was calculated to assess if this variant is too frequent to cause the disease. Based on the score and internal cut-off values, a variant classified as benign is not then subjected to further curation. The score for this variant resulted in a classification of benign for this disease.

Laboratory for Molecular Medicine, Mass General Brigham Personalized Medicine
Classification: Benign. Last evaluated: 2016-03-28. Review status: criteria provided, single submitter. Criteria: LMM Criteria. Collection method: clinical testing. Allele origin: germline.
Comment: Variant identified in a genome or exome case(s) and assessed due to predicted null impact of the variant or pathogenic assertions in the literature or databases. Disclaimer: This variant has not undergone full assessment. The following are preliminary notes: Frequency, one paper claims association with MS

GeneDx
Classification: Benign. Last evaluated: 2015-03-03. Review status: criteria provided, single submitter. Criteria: GeneDx Variant Classification Process June 2021. Collection method: clinical testing. Allele origin: germline. Affected: yes.
Comment: This variant is associated with the following publications: (PMID: 24174586, 22801493, 23624563)

Breakthrough Genomics
Classification: Benign. Review status: criteria provided, single submitter. Criteria: ACMG Guidelines, 2015. Collection method: not provided. Allele origin: germline. Inheritance: Autosomal dominant inheritance. Affected: yes.

PreventionGenetics, part of Exact Sciences
Classification: Benign. Review status: criteria provided, single submitter. Criteria: ACMG Guidelines, 2015. Collection method: clinical testing. Allele origin: germline.

Pneumogenomics Laboratory, Instituto Nacional de Enfermedades Respiratorias Ismael Cosio Villegas
Classification: Uncertain significance for Associated with severe COVID-19 disease. Last evaluated: 2023-07-01. Review status: no assertion criteria provided. Collection method: research. Allele origin: germline. Affected: yes. Not counted in ClinVar's aggregate classification.

Pneumogenomics Laboratory, Instituto Nacional de Enfermedades Respiratorias Ismael Cosio Villegas
Classification: Uncertain significance for Susceptibility to severe coronavirus disease (COVID-19) due to high plasma levels of TNF, TNFR, and/or TNFR6. Last evaluated: 2021-08-07. Review status: no assertion criteria provided. Collection method: research. Allele origin: germline. Affected: yes. Not counted in ClinVar's aggregate classification.

Pneumogenomics Laboratory, Instituto Nacional de Enfermedades Respiratorias Ismael Cosio Villegas
Classification: Uncertain significance for Susceptibility to severe coronavirus disease (COVID-19). Last evaluated: 2021-02-09. Review status: no assertion criteria provided. Collection method: research. Allele origin: germline. Affected: yes. Not counted in ClinVar's aggregate classification.

OMIM
Classification: risk factor for MULTIPLE SCLEROSIS, SUSCEPTIBILITY TO, 5. Last evaluated: 2012-08-23. Review status: no assertion criteria provided. Collection method: literature only. Allele origin: germline. Not counted in ClinVar's aggregate classification.

Diagnostic Laboratory, Department of Genetics, University Medical Center Groningen
Classification: Benign. Review status: no assertion criteria provided. Collection method: clinical testing. Allele origin: germline. Affected: yes. Study: VKGL Data-share Consensus. Not counted in ClinVar's aggregate classification.

Dr. Peter K. Rogan Lab, Western University
No classification provided (evidence only). Condition: Hepatocellular carcinoma. Review status: no classification provided. Collection method: in vitro. Allele origin: not applicable. Functional consequence: skipped exon. Not counted in ClinVar's aggregate classification.

Dr. Peter K. Rogan Lab, Western University
No classification provided (evidence only). Condition: Hepatocellular carcinoma. Review status: no classification provided. Collection method: in vitro. Allele origin: not applicable. Functional consequence: skipped exon, retained intron. Not counted in ClinVar's aggregate classification.

Genome Diagnostics Laboratory, University Medical Center Utrecht
Classification: Benign. Review status: no assertion criteria provided. Collection method: clinical testing. Allele origin: germline. Affected: yes. Study: VKGL Data-share Consensus. Not counted in ClinVar's aggregate classification.

Literature cited by the submitters: PubMed 22801493 (cited by OMIM).

NM_001065.4(TNFRSF1A):c.625+10A>G

Gene: TNFRSF1A (TNF receptor superfamily member 1A; minus strand). Cytogenetic location: 12p13.31.
Variant type: single nucleotide variant.
Coding change: c.625+10A>G on transcript NM_001065.4 (MANE Select); 10 bases into the intron after coding-DNA position 625, A replaced by G.
Molecular consequence: intron variant.
Genome position (GRCh38, 1-based): chr12:6,330,843, T>C on the plus strand (A>G on the coding strand, the complement: TNFRSF1A is on the minus strand). VCF-style: chr12-6330843-T-C. GRCh37 (hg19) VCF-style: chr12-6440009-T-C.
Other names: p.?; IVS6, A-G (rs1800693); c.301+10A>G (NM_001346091.2); c.166+10A>G (NM_001346092.2).
Identifiers: ClinVar variation 37038 (VCV000037038.51), dbSNP rs1800693, ClinGen allele CA130034.